The following is an entry in ClinVar:

NM_004629.2(FANCG):c.488T>C (p.Leu163Pro)

Gene: FANCG (FA complementation group G; minus strand). Cytogenetic location: 9p13.3.
Variant type: single nucleotide variant.
Coding change: c.488T>C on transcript NM_004629.2 (MANE Select); coding-DNA position 488, T replaced by C.
Protein change: p.Leu163Pro; replaces leucine 163 with proline.
Molecular consequence: missense variant.
Genome position (GRCh38, 1-based): chr9:35,078,163, A>G on the plus strand (T>C on the coding strand, the complement: FANCG is on the minus strand). VCF-style: chr9-35078163-A-G. GRCh37 (hg19) VCF-style: chr9-35078160-A-G.
Other names: short protein forms L163P.
Identifiers: ClinVar variation 4619395 (VCV004619395.1).

ClinVar aggregate classification (germline): Uncertain significance (1 of 4 stars; one submission).

Conditions:
Inborn genetic diseases. Identifiers: MedGen C0950123, MeSH D030342.

Submission:

Ambry Genetics
Classification: Uncertain significance for Inborn genetic diseases. Last evaluated: 2025-11-24. Review status: criteria provided, single submitter. Criteria: Ambry Variant Classification Scheme 2023. Collection method: clinical testing. Allele origin: germline.
Comment: The p.L163P variant (also known as c.488T>C), located in coding exon 4 of the FANCG gene, results from a T to C substitution at nucleotide position 488. The leucine at codon 163 is replaced by proline, an amino acid with similar properties. This amino acid position is conserved. In addition, this alteration is predicted to be deleterious by in silico analysis. Based on the available evidence, the clinical significance of this variant remains unclear.